The following is an entry in ClinVar:

NM_000254.3(MTR):c.764+16T>C

Gene: MTR (5-methyltetrahydrofolate-homocysteine methyltransferase; plus strand). Cytogenetic location: 1q43.
Variant type: single nucleotide variant.
Coding change: c.764+16T>C on transcript NM_000254.3 (MANE Select); 16 bases into the intron after coding-DNA position 764, T replaced by C.
Molecular consequence: intron variant.
Genome position (GRCh38, 1-based): chr1:236,816,559, T>C. VCF-style: chr1-236816559-T-C. GRCh37 (hg19) VCF-style: chr1-236979859-T-C.
Other names: c.764+16T>C (NM_001291939.1); c.-345+16T>C (NM_001291940.2).
Identifiers: ClinVar variation 507437 (VCV000507437.11), dbSNP rs138222686, ClinGen allele CA1473855.

ClinVar aggregate classification (germline): Benign/Likely benign. Review status: criteria provided, multiple submitters, no conflicts (2 of 4 stars). 4 submissions from 4 submitters: Benign (1); Likely benign (3). Last evaluated 2026-01-27.

Conditions:
Methylcobalamin deficiency type cblG (HMAG). Also called: HOMOCYSTINURIA-MEGALOBLASTIC ANEMIA, cblG TYPE; HOMOCYSTINURIA-MEGALOBLASTIC ANEMIA, cblG COMPLEMENTATION TYPE; Functional methionine synthase deficiency type cblG; HOMOCYSTINURIA-MEGALOBLASTIC ANEMIA DUE TO DEFECT IN COBALAMIN METABOLISM, cblG COMPLEMENTATION TYPE. Identifiers: Orphanet 2170, Orphanet 622, MedGen C1855128, MONDO:0009609, OMIM 250940.

Allele frequency attached by ClinVar (database versions not stated): gnomAD exomes 0.00014 and 0.00037; ExAC 0.00040; 1000 Genomes Project 30x 0.00078; 1000 Genomes Project 0.00100; gnomAD 0.00146 and 0.00158; TOPMed 0.00163; ESP Exome Variant Server 0.00215.
gnomAD v4.1: 453 of 1,604,900 alleles (0.028%); highest among the groups gnomAD compares: African/African-American, 0.46%; 1 homozygote.

Submissions (4):

Labcorp Genetics (formerly Invitae), Labcorp
Classification: Benign for Methylcobalamin deficiency type cblG. Last evaluated: 2026-01-27. Review status: criteria provided, single submitter. Criteria: Invitae Variant Classification Sherloc (09022015). Collection method: clinical testing. Allele origin: germline.

Blueprint Genetics
Classification: Likely benign. Last evaluated: 2024-09-04. Review status: criteria provided, single submitter. Criteria: ACMG Guidelines, 2015. Collection method: clinical testing. Allele origin: germline.

GeneDx
Classification: Likely benign. Last evaluated: 2017-08-14. Review status: criteria provided, single submitter. Criteria: GeneDx Variant Classification (06012015). Collection method: clinical testing. Allele origin: germline. Affected: yes.
Comment: This variant is considered likely benign or benign based on one or more of the following criteria: it is a conservative change, it occurs at a poorly conserved position in the protein, it is predicted to be benign by multiple in silico algorithms, and/or has population frequency not consistent with disease.

Breakthrough Genomics
Classification: Likely benign. Review status: criteria provided, single submitter. Criteria: ACMG Guidelines, 2015. Collection method: not provided. Allele origin: germline. Inheritance: Autosomal recessive inheritance. Affected: yes.